The following is an entry in ClinVar:

NM_138576.4(BCL11B):c.1904A>G (p.Asp635Gly)

Gene: BCL11B (BCL11 transcription factor B; minus strand). Cytogenetic location: 14q32.2.
Variant type: single nucleotide variant.
Coding change: c.1904A>G on transcript NM_138576.4 (MANE Select); coding-DNA position 1904, A replaced by G.
Protein change: p.Asp635Gly; replaces aspartic acid 635 with glycine.
Molecular consequence: missense variant.
Genome position (GRCh38, 1-based): chr14:99,174,932, T>C on the plus strand (A>G on the coding strand, the complement: BCL11B is on the minus strand). VCF-style: chr14-99174932-T-C. GRCh37 (hg19) VCF-style: chr14-99641269-T-C.
Other names: c.1901A>G, p.Asp634Gly (NM_001282237.2); c.1688A>G, p.Asp563Gly (NM_001282238.2); c.1691A>G, p.Asp564Gly (NM_022898.3); c.1904A>G (NM_138576.2); short protein forms D563G, D564G, D634G, D635G.
Identifiers: ClinVar variation 2169966 (VCV002169966.6), dbSNP rs1056645820, ClinGen allele CA266105221.
Genomic context (GRCh38, chr14:99,174,932, plus strand): 5'-CCGCGCCCGTTGACCGCGCCGCCCGCGCCCGCGTCCCCGCAGCCGCCCGCGTCGTCGTCG[T>C]CGCCCGCGTCCCCGCCGCCCGCCGCACGCTTCAGGAAGGCGCCGCGCTTCTGCTTGTCGG-3'
Protein context (NP_612808.1, residues 625-645): KRAAGGGDAG[Asp635Gly]DDDAGGCGDA

ClinVar aggregate classification (germline): Uncertain significance. Review status: criteria provided, multiple submitters, no conflicts (2 of 4 stars). 2 submissions from 2 submitters: Uncertain significance (2). Last evaluated 2025-11-05.

Conditions:
Inborn genetic diseases. Identifiers: MedGen C0950123, MeSH D030342.

Allele frequency attached by ClinVar (database versions not stated): TOPMed 0.00001; gnomAD exomes 0.00005.
gnomAD v4.1: 55 of 1,330,534 alleles (0.0041%); highest among the groups gnomAD compares: Non-Finnish European, 0.0047%; no homozygotes.

Submissions (2):

Ambry Genetics
Classification: Uncertain significance for Inborn genetic diseases. Last evaluated: 2025-11-05. Review status: criteria provided, single submitter. Criteria: Ambry Variant Classification Scheme 2023. Collection method: clinical testing. Allele origin: germline.

Labcorp Genetics (formerly Invitae), Labcorp
Classification: Uncertain significance. Last evaluated: 2023-03-10. Review status: criteria provided, single submitter. Criteria: Invitae Variant Classification Sherloc (09022015). Collection method: clinical testing. Allele origin: germline.
Comment: ClinVar contains an entry for this variant (Variation ID: 2169966). Advanced modeling of protein sequence and biophysical properties (such as structural, functional, and spatial information, amino acid conservation, physicochemical variation, residue mobility, and thermodynamic stability) performed at Invitae indicates that this missense variant is not expected to disrupt BCL11B protein function. In summary, the available evidence is currently insufficient to determine the role of this variant in disease. Therefore, it has been classified as a Variant of Uncertain Significance. This variant has not been reported in the literature in individuals affected with BCL11B-related conditions. This sequence change replaces aspartic acid, which is acidic and polar, with glycine, which is neutral and non-polar, at codon 635 of the BCL11B protein (p.Asp635Gly). This variant is not present in population databases (gnomAD no frequency).